The following is an entry in ClinVar:

NM_002599.5(PDE2A):c.322C>T (p.Arg108Trp)

Gene: PDE2A (phosphodiesterase 2A; minus strand). Cytogenetic location: 11q13.4.
Variant type: single nucleotide variant.
Coding change: c.322C>T on transcript NM_002599.5 (MANE Select); coding-DNA position 322, C replaced by T.
Protein change: p.Arg108Trp; replaces arginine 108 with tryptophan.
Molecular consequence: missense variant.
Genome position (GRCh38, 1-based): chr11:72,605,139, G>A on the plus strand (C>T on the coding strand, the complement: PDE2A is on the minus strand). VCF-style: chr11-72605139-G-A. GRCh37 (hg19) VCF-style: chr11-72316183-G-A.
Other names: c.301C>T, p.Arg101Trp (NM_001143839.4); c.295C>T, p.Arg99Trp (NM_001146209.3); c.259C>T, p.Arg87Trp (NM_001243784.2); short protein forms R108W, R87W, R99W, R101W.
Identifiers: ClinVar variation 1919240 (VCV001919240.2), dbSNP rs747088501, ClinGen allele CA6172641.
Genomic context (GRCh38, chr11:72,605,139, plus strand): 5'-TCAGCCCTGAGAATCCTTGGCCATGCAAGAGGGCAATGGGGGTGCAGAGAATGGCTCACC[G>A]GACTTTCCCCTCCTGGGGCAGCTCATGTGGGGGGTCCTCACACACCAGCTGGGACTCACC-3'
Protein context (NP_002590.1, residues 98-118): PHELPQEGKV[Arg108Trp]EAIISQKRLG

ClinVar aggregate classification (germline): Uncertain significance (1 of 4 stars; one submission).

Allele frequency attached by ClinVar (database versions not stated): ExAC 0.00001; gnomAD exomes 0.00001; gnomAD 0.00003; TOPMed 0.00003.
gnomAD v4.1: 24 of 1,602,310 alleles (0.0015%); highest among the groups gnomAD compares: Non-Finnish European, 0.002%; no homozygotes.

Submission:

Labcorp Genetics (formerly Invitae), Labcorp
Classification: Uncertain significance. Last evaluated: 2022-05-11. Review status: criteria provided, single submitter. Criteria: Invitae Variant Classification Sherloc (09022015). Collection method: clinical testing. Allele origin: germline.
Comment: This sequence change replaces arginine, which is basic and polar, with tryptophan, which is neutral and slightly polar, at codon 108 of the PDE2A protein (p.Arg108Trp). This variant is present in population databases (rs747088501, gnomAD 0.003%). This variant has not been reported in the literature in individuals affected with PDE2A-related conditions. Algorithms developed to predict the effect of missense changes on protein structure and function output the following: SIFT: "Tolerated"; PolyPhen-2: "Probably Damaging"; Align-GVGD: "Class C0". The tryptophan amino acid residue is found in multiple mammalian species, which suggests that this missense change does not adversely affect protein function. In summary, the available evidence is currently insufficient to determine the role of this variant in disease. Therefore, it has been classified as a Variant of Uncertain Significance.